The following is an entry in ClinVar:

NM_152419.3(HGSNAT):c.234+5G>A

Gene: HGSNAT (heparan-alpha-glucosaminide N-acetyltransferase; plus strand). Cytogenetic location: 8p11.21.
Variant type: single nucleotide variant.
Coding change: c.234+5G>A on transcript NM_152419.3 (MANE Select); 5 bases into the intron after coding-DNA position 234, G replaced by A.
Molecular consequence: intron variant.
Genome position (GRCh38, 1-based): chr8:43,147,068, G>A. VCF-style: chr8-43147068-G-A. GRCh37 (hg19) VCF-style: chr8-43002211-G-A.
Other names: c.234+5G>A (NM_001363227.2, NM_001363228.2); c.-600+5G>A (NM_001363229.2).
Identifiers: ClinVar variation 1990139 (VCV001990139.2), dbSNP rs1490617702, ClinGen allele CA581633620.

ClinVar aggregate classification (germline): Uncertain significance (1 of 4 stars; one submission).

Conditions:
Retinitis pigmentosa 73 (RP73). Identifiers: Orphanet 791, MedGen C4225287, MONDO:0014687, OMIM 616544.
Mucopolysaccharidosis, MPS-III-C (MPS3C). Also called: SANFILIPPO SYNDROME C; MPS III C; Mucopolysaccharidosis type IIIC (Sanfilippo C); MUCOPOLYSACCHARIDOSIS, TYPE IIIC; mucopolysaccharidosis type 3C; MPS IIIC (Sanfilippo Syndrome Type C). Identifiers: Orphanet 581, Orphanet 79271, MedGen C0086649, MONDO:0009657, OMIM 252930.

gnomAD v4.1: 1 of 1,540,880 alleles (0.000065%); highest among the groups gnomAD compares: South Asian, 0.0012%; no homozygotes.

Submission:

Labcorp Genetics (formerly Invitae), Labcorp
Classification: Uncertain significance for Retinitis pigmentosa 73; Mucopolysaccharidosis, MPS-III-C. Last evaluated: 2025-03-17. Review status: criteria provided, single submitter. Criteria: Invitae Variant Classification Sherloc (09022015). Collection method: clinical testing. Allele origin: germline.
Comment: This sequence change falls in intron 2 of the HGSNAT gene. It does not directly change the encoded amino acid sequence of the HGSNAT protein. It affects a nucleotide within the consensus splice site. This variant is not present in population databases (gnomAD no frequency). This variant has not been reported in the literature in individuals affected with HGSNAT-related conditions. ClinVar contains an entry for this variant (Variation ID: 1990139). Variants that disrupt the consensus splice site are a relatively common cause of aberrant splicing (PMID: 17576681, 9536098). Algorithms developed to predict the effect of sequence changes on RNA splicing suggest that this variant may disrupt the consensus splice site. In summary, the available evidence is currently insufficient to determine the role of this variant in disease. Therefore, it has been classified as a Variant of Uncertain Significance.

Literature cited by the submitters: PubMed 17576681; PubMed 9536098.